The following is an entry in ClinVar:

ClinVar aggregate classification (germline): Benign (1 of 4 stars; one submission).

Conditions:
Papillary renal cell carcinoma type 1 (RCCP1). Also called: RENAL CELL CARCINOMA, PAPILLARY, 1, SOMATIC; Renal adenocarcinoma; Renal cell carcinoma 1; Renal cell carcinoma, somatic. Identifiers: Orphanet 47044, MedGen C1336839, OMIM 605074, HP:0011797.

Allele frequency attached by ClinVar (database versions not stated): gnomAD exomes 0.00015; 1000 Genomes Project 0.00060; TOPMed 0.00066; 1000 Genomes Project 30x 0.00078; gnomAD 0.00095 and 0.00104.
gnomAD v4.1: 149 of 188,932 alleles (0.079%); highest among the groups gnomAD compares: African/African-American, 0.18%; no homozygotes.

Submission:

Illumina Laboratory Services, Illumina
Classification: Benign for Papillary renal cell carcinoma type 1. Last evaluated: 2018-01-13. Review status: criteria provided, single submitter. Criteria: ICSL Variant Classification Criteria 13 December 2019. Collection method: clinical testing. Allele origin: germline.
Comment: This variant was observed in the ICSL laboratory as part of a predisposition screen in an ostensibly healthy population. It had not been previously curated by ICSL or reported in the Human Gene Mutation Database (HGMD: prior to June 1st, 2018), and was therefore a candidate for classification through an automated scoring system. Utilizing variant allele frequency, disease prevalence and penetrance estimates, and inheritance mode, an automated score was calculated to assess if this variant is too frequent to cause the disease. Based on the score and internal cut-off values, a variant classified as benign is not then subjected to further curation. The score for this variant resulted in a classification of benign for this disease.

NM_000245.4(MET):c.*656G>A

Gene: MET (MET proto-oncogene, receptor tyrosine kinase; plus strand). Cytogenetic location: 7q31.2.
Variant type: single nucleotide variant.
Coding change: c.*656G>A on transcript NM_000245.4 (MANE Select); 656 bases downstream of the stop codon, G replaced by A.
Molecular consequence: 3 prime UTR variant.
Genome position (GRCh38, 1-based): chr7:116,796,780, G>A. VCF-style: chr7-116796780-G-A. GRCh37 (hg19) VCF-style: chr7-116436834-G-A.
Other names: c.*656G>A (LRG_662t1, NM_001127500.3, NM_001324402.2).
Identifiers: ClinVar variation 358706 (VCV000358706.5), dbSNP rs531456758, ClinGen allele CA10625166.